The following is an entry in ClinVar:

ClinVar aggregate classification (germline): Conflicting classifications of pathogenicity. Review status: criteria provided, conflicting classifications (1 of 4 stars). 4 submissions from 4 submitters: Uncertain significance (3); Likely benign (1). Last evaluated 2025-04-09.

Conditions:
Hypertrophic cardiomyopathy 9. Also called: Familial hypertrophic cardiomyopathy 9. Identifiers: MedGen C1861065, MONDO:0013412, OMIM 613765.
Dilated cardiomyopathy 1G (CMD1G). Identifiers: Orphanet 154, MedGen C1858763, MONDO:0011400, OMIM 604145.
Tibial muscular dystrophy (TMD). Also called: UDD MYOPATHY; Tibial muscular dystrophy, tardive; Udd Distal Myopathy – Tibial Muscular Dystrophy. Identifiers: Orphanet 609, MedGen C1838244, MONDO:0010870, OMIM 600334.
Autosomal recessive limb-girdle muscular dystrophy type 2J (LGMDR10). Also called: Limb-girdle muscular dystrophy, type 2J; MUSCULAR DYSTROPHY, LIMB-GIRDLE, AUTOSOMAL RECESSIVE 10. Identifiers: Orphanet 140922, MedGen C1837342, MONDO:0012127, OMIM 608807.
Early-onset myopathy with fatal cardiomyopathy (CMYO5). Also called: Salih Myopathy; CONGENITAL MYOPATHY 5 WITH CARDIOMYOPATHY. Identifiers: Orphanet 289377, MedGen C2673677, MONDO:0012714, OMIM 611705. Disease mechanism: loss of function.
Myopathy, myofibrillar, 9, with early respiratory failure (MFM9). Also called: MYOPATHY, PROXIMAL, WITH EARLY RESPIRATORY MUSCLE INVOLVEMENT; Hereditary myopathy with early respiratory failure; Myopathy, distal, with early respiratory failure, autosomal dominant; EDSTROM MYOPATHY. Identifiers: Orphanet 178464, Orphanet 34521, MedGen C1863599, MONDO:0011362, OMIM 603689.

Allele frequency attached by ClinVar (database versions not stated): ExAC 0.00001; gnomAD 0.00001; gnomAD exomes 0.00001; TOPMed 0.00001.
gnomAD v4.1: 11 of 1,613,564 alleles (0.00068%); highest among the groups gnomAD compares: African/African-American, 0.0027%; no homozygotes.

Submissions (4):

Molecular Diagnostic Laboratory for Inherited Cardiovascular Disease, Montreal Heart Institute
Classification: Likely benign. Last evaluated: 2025-04-09. Review status: criteria provided, single submitter. Criteria: ACMG Guidelines, 2015. Collection method: clinical testing. Allele origin: germline. Affected: no.
Comment: BP1

Women's Health and Genetics/Laboratory Corporation of America, LabCorp
Classification: Uncertain significance. Last evaluated: 2025-01-30. Review status: criteria provided, single submitter. Criteria: LabCorp Variant Classification Summary - May 2015. Collection method: clinical testing. Allele origin: germline.
Comment: Variant summary: TTN c.10361-2889C>T is located at a position not widely known to affect splicing. This variant corresponds to c.11984C>T (p.Thr3995Ile) in NM_001267550. Consensus agreement among computation tools predict no significant impact on normal splicing. However, these predictions have yet to be confirmed by functional studies. The variant allele was found at a frequency of 6.8e-06 in 1606570 control chromosomes in the gnomAD database (v4.1 dataset). This frequency is not higher than the maximum estimated for a pathogenic variant in TTN causing Dilated Cardiomyopathy (0.00039), allowing no conclusion about variant significance. To our knowledge, no occurrence of c.10361-2889C>T in individuals affected with Dilated Cardiomyopathy and no experimental evidence demonstrating its impact on protein function have been reported. ClinVar contains an entry for this variant (Variation ID: 1328760). Based on the evidence outlined above, the variant was classified as uncertain significance.

Fulgent Genetics
Classification: Uncertain significance for Tibial muscular dystrophy; Myopathy, myofibrillar, 9, with early respiratory failure; Dilated cardiomyopathy 1G; Autosomal recessive limb-girdle muscular dystrophy type 2J; Early-onset myopathy with fatal cardiomyopathy; Hypertrophic cardiomyopathy 9. Last evaluated: 2021-09-16. Review status: criteria provided, single submitter. Criteria: ACMG Guidelines, 2015. Collection method: clinical testing. Allele origin: unknown.

GeneDx
Classification: Uncertain significance. Last evaluated: 2021-06-17. Review status: criteria provided, single submitter. Criteria: GeneDx Variant Classification Process June 2021. Collection method: clinical testing. Allele origin: germline. Affected: yes.
Comment: Has not been previously published as pathogenic or benign to our knowledge; Not observed at significant frequency in large population cohorts (Lek et al., 2016); Missense variant in a gene in which most reported pathogenic variants are truncating/loss-of-function

NM_001267550.2(TTN):c.11984C>T (p.Thr3995Ile)

Gene: TTN (titin; minus strand). Cytogenetic location: 2q31.2.
Variant type: single nucleotide variant.
Coding change: c.11984C>T on transcript NM_001267550.2 (MANE Select); coding-DNA position 11984, C replaced by T.
Protein change: p.Thr3995Ile; replaces threonine 3995 with isoleucine.
Molecular consequence: missense variant. On other transcripts: intron variant (1).
Genome position (GRCh38, 1-based): chr2:178,741,249, G>A on the plus strand (C>T on the coding strand, the complement: TTN is on the minus strand). VCF-style: chr2-178741249-G-A. GRCh37 (hg19) VCF-style: chr2-179605976-G-A.
Other names: c.11033C>T, p.Thr3678Ile (NM_001256850.1); c.10895C>T, p.Thr3632Ile (NM_003319.4); c.11270C>T, p.Thr3757Ile (NM_133432.3); c.11471C>T, p.Thr3824Ile (NM_133437.4); c.10361-2889C>T (NM_133378.4); short protein forms T3632I, T3678I, T3757I, T3824I, T3995I.
Identifiers: ClinVar variation 1328760 (VCV001328760.7), dbSNP rs749320093, ClinGen allele CA2002779.